The following is an entry in ClinVar:

NM_001330288.2(SMARCC2):c.3392G>C (p.Gly1131Ala)

Gene: SMARCC2 (SWI/SNF related BAF chromatin remodeling complex subunit C2; minus strand). Cytogenetic location: 12q13.2.
Variant type: single nucleotide variant.
Coding change: c.3392G>C on transcript NM_001330288.2 (MANE Select); coding-DNA position 3392, G replaced by C.
Protein change: p.Gly1131Ala; replaces glycine 1131 with alanine.
Molecular consequence: missense variant. On other transcripts: intron variant (2).
Genome position (GRCh38, 1-based): chr12:56,164,572, C>G on the plus strand (G>C on the coding strand, the complement: SMARCC2 is on the minus strand). VCF-style: chr12-56164572-C-G. GRCh37 (hg19) VCF-style: chr12-56558356-C-G.
Other names: c.3299G>C, p.Gly1100Ala (NM_003075.5); c.3316+76G>C (NM_139067.4, NM_001130420.3); short protein forms G1100A, G1131A.
Identifiers: ClinVar variation 3897525 (VCV003897525.1).

ClinVar aggregate classification (germline): Uncertain significance (1 of 4 stars; one submission).

Submission:

GeneDx
Classification: Uncertain significance. Last evaluated: 2024-11-03. Review status: criteria provided, single submitter. Criteria: GeneDx Variant Classification Process June 2021. Collection method: clinical testing. Allele origin: germline. Affected: yes.
Comment: Not observed at significant frequency in large population cohorts (gnomAD); In silico analysis indicates that this missense variant does not alter protein structure/function; Has not been previously published as pathogenic or benign to our knowledge